The following is an entry in ClinVar:

ClinVar aggregate classification (germline): Benign/Likely benign. Review status: criteria provided, multiple submitters, no conflicts (2 of 4 stars). 8 submissions from 7 submitters: Benign (1); Likely benign (7). Last evaluated 2026-01-15.

Conditions:
Tangier disease (TGD). Also called: HIGH DENSITY LIPOPROTEIN DEFICIENCY, TANGIER TYPE; HIGH DENSITY LIPOPROTEIN DEFICIENCY, TYPE 1; Cholesterol thesaurismosis. Identifiers: Orphanet 31150, MedGen C0039292, MONDO:0008783, OMIM 205400.
Cardiovascular phenotype. Identifiers: MedGen CN230736.
Hypoalphalipoproteinemia, primary, 1. Identifiers: Orphanet 425, MedGen C5231558, MONDO:0011393, OMIM 604091.

Allele frequency attached by ClinVar (database versions not stated): gnomAD exomes 0.00062 and 0.00119; ExAC 0.00143; 1000 Genomes Project 0.00419; gnomAD 0.00454 and 0.00496; 1000 Genomes Project 30x 0.00468; ESP Exome Variant Server 0.00492; TOPMed 0.00505.
gnomAD v4.1: 1,608 of 1,614,138 alleles (0.1%); highest among the groups gnomAD compares: African/African-American, 1.6%; 8 homozygotes.

Submissions (8):

Labcorp Genetics (formerly Invitae), Labcorp
Classification: Benign. Last evaluated: 2026-01-15. Review status: criteria provided, single submitter. Criteria: Invitae Variant Classification Sherloc (09022015). Collection method: clinical testing. Allele origin: germline.

Blueprint Genetics
Classification: Likely benign. Last evaluated: 2024-11-26. Review status: criteria provided, single submitter. Criteria: ACMG Guidelines, 2015. Collection method: clinical testing. Allele origin: germline.

Women's Health and Genetics/Laboratory Corporation of America, LabCorp
Classification: Likely benign. Last evaluated: 2024-07-27. Review status: criteria provided, single submitter. Criteria: LabCorp Variant Classification Summary - May 2015. Collection method: clinical testing. Allele origin: germline.

GeneDx
Classification: Likely benign. Last evaluated: 2021-04-26. Review status: criteria provided, single submitter. Criteria: GeneDx Variant Classification Process June 2021. Collection method: clinical testing. Allele origin: germline. Affected: yes.
Comment: This variant is associated with the following publications: (PMID: 17383594, 22995991)

Ambry Genetics
Classification: Likely benign for Cardiovascular phenotype. Last evaluated: 2019-08-21. Review status: criteria provided, single submitter. Criteria: Ambry Variant Classification Scheme 2023. Collection method: clinical testing. Allele origin: germline.

Illumina Laboratory Services, Illumina
Classification: Likely benign for Hypoalphalipoproteinemia, primary, 1. Last evaluated: 2017-04-27. Review status: criteria provided, single submitter. Criteria: ICSL Variant Classification Criteria 13 December 2019. Collection method: clinical testing. Allele origin: germline.
Comment: This variant was observed as part of a predisposition screen in an ostensibly healthy population. A literature search was performed for the gene, cDNA change, and amino acid change (where applicable). No publications were found based on this search. Allele frequency data from public databases allowed determination this variant is unlikely to cause disease. Therefore, this variant is classified as likely benign.

Illumina Laboratory Services, Illumina
Classification: Likely benign for Tangier disease. Last evaluated: 2017-04-27. Review status: criteria provided, single submitter. Criteria: ICSL Variant Classification Criteria 13 December 2019. Collection method: clinical testing. Allele origin: germline.
Comment: the same text as in the submission from Illumina Laboratory Services, Illumina above.

Breakthrough Genomics
Classification: Likely benign. Review status: criteria provided, single submitter. Criteria: ACMG Guidelines, 2015. Collection method: not provided. Allele origin: germline. Inheritance: Autosomal recessive inheritance. Affected: yes.

Literature cited by the submitters: PubMed 17383594 (cited by Ambry Genetics); PubMed 22995991 (cited by Ambry Genetics).

NM_005502.4(ABCA1):c.2602G>A (p.Glu868Lys)

Gene: ABCA1 (ATP binding cassette subfamily A member 1; minus strand). Cytogenetic location: 9q31.1.
Variant type: single nucleotide variant.
Coding change: c.2602G>A on transcript NM_005502.4 (MANE Select); coding-DNA position 2602, G replaced by A.
Protein change: p.Glu868Lys; replaces glutamic acid 868 with lysine.
Molecular consequence: missense variant.
Genome position (GRCh38, 1-based): chr9:104,824,519, C>T on the plus strand (G>A on the coding strand, the complement: ABCA1 is on the minus strand). VCF-style: chr9-104824519-C-T. GRCh37 (hg19) VCF-style: chr9-107586800-C-T.
Other names: short protein forms E868K.
Identifiers: ClinVar variation 364427 (VCV000364427.20), dbSNP rs35207495, ClinGen allele CA5168685.